The following is an entry in ClinVar:

NM_017866.6(TMEM70):c.780A>G (p.Lys260=)

Gene: TMEM70 (transmembrane protein 70; plus strand). Cytogenetic location: 8q21.11.
Variant type: single nucleotide variant.
Coding change: c.780A>G on transcript NM_017866.6 (MANE Select); coding-DNA position 780, A replaced by G.
Protein change: p.Lys260=; no amino-acid change (lysine 260 retained).
Molecular consequence: synonymous variant. On other transcripts: 3 prime UTR variant (1), non-coding transcript variant (1).
Genome position (GRCh38, 1-based): chr8:73,981,618, A>G. VCF-style: chr8-73981618-A-G. GRCh37 (hg19) VCF-style: chr8-74893853-A-G.
Other names: c.*470A>G (NM_001040613.3).
Identifiers: ClinVar variation 1511154 (VCV001511154.4), dbSNP rs769667709, ClinGen allele CA4784115.

ClinVar aggregate classification (germline): Uncertain significance (1 of 4 stars; one submission).

Conditions:
Mitochondrial complex V (ATP synthase) deficiency, nuclear type 2. Also called: Nuclear-Encoded ATPase Deficiency, TMEM70-Related; ENCEPHALOCARDIOMYOPATHY, MITOCHONDRIAL, NEONATAL, DUE TO ATP SYNTHASE DEFICIENCY; MITOCHONDRIAL COMPLEX V (ATP SYNTHASE) DEFICIENCY, TMEM70 TYPE. Identifiers: Orphanet 1194, MedGen C3279699, MONDO:0013546, OMIM 614052.

Allele frequency attached by ClinVar (database versions not stated): ExAC 0.00002; gnomAD exomes 0.00002 and 0.00001; TOPMed 0.00001.

Submission:

Labcorp Genetics (formerly Invitae), Labcorp
Classification: Uncertain significance for Mitochondrial complex V (ATP synthase) deficiency, nuclear type 2. Last evaluated: 2022-01-26. Review status: criteria provided, single submitter. Criteria: Invitae Variant Classification Sherloc (09022015). Collection method: clinical testing. Allele origin: germline.
Comment: In summary, the available evidence is currently insufficient to determine the role of this variant in disease. Therefore, it has been classified as a Variant of Uncertain Significance. Algorithms developed to predict the effect of sequence changes on RNA splicing suggest that this variant may create or strengthen a splice site. This variant has not been reported in the literature in individuals affected with TMEM70-related conditions. This variant is present in population databases (rs769667709, gnomAD 0.009%). This sequence change affects codon 260 of the TMEM70 mRNA. It is a 'silent' change, meaning that it does not change the encoded amino acid sequence of the TMEM70 protein.